The following is an entry in ClinVar:

ClinVar aggregate classification (germline): Uncertain significance. Review status: criteria provided, multiple submitters, no conflicts (2 of 4 stars). 4 submissions from 4 submitters: Uncertain significance (4). Last evaluated 2025-08-07.

Conditions:
Hereditary cancer-predisposing syndrome. Also called: Hereditary neoplastic syndrome; Hereditary Cancer Syndrome; Neoplastic Syndromes, Hereditary; Tumor predisposition. Identifiers: Orphanet 140162, MedGen C0027672, MeSH D009386, MONDO:0015356.
Nijmegen breakage syndrome-like disorder (NBSLD). Also called: MICROCEPHALY AND SPONTANEOUS CHROMOSOME INSTABILITY WITHOUT IMMUNODEFICIENCY; NBS-LIKE DISORDER; RAD50 DEFICIENCY. Identifiers: Orphanet 240760, MedGen C2751318, MONDO:0013118, OMIM 613078.

Allele frequency attached by ClinVar (database versions not stated): gnomAD exomes 0.00001 and 0.00002; TOPMed 0.00001; ExAC 0.00002; gnomAD 0.00002; ESP Exome Variant Server 0.00008.
gnomAD v4.1: 25 of 1,590,526 alleles (0.0016%); highest among the groups gnomAD compares: Non-Finnish European, 0.0021%; no homozygotes.

Submissions (4):

Labcorp Genetics (formerly Invitae), Labcorp
Classification: Uncertain significance for Hereditary cancer-predisposing syndrome. Last evaluated: 2025-08-07. Review status: criteria provided, single submitter. Criteria: Invitae Variant Classification Sherloc (09022015). Collection method: clinical testing. Allele origin: germline.
Comment: This sequence change replaces alanine, which is neutral and non-polar, with threonine, which is neutral and polar, at codon 73 of the RAD50 protein (p.Ala73Thr). This variant is present in population databases (rs371122101, gnomAD 0.007%). This variant has not been reported in the literature in individuals affected with RAD50-related conditions. ClinVar contains an entry for this variant (Variation ID: 230217). Invitae Evidence Modeling of protein sequence and biophysical properties (such as structural, functional, and spatial information, amino acid conservation, physicochemical variation, residue mobility, and thermodynamic stability) has been performed for this missense variant. However, the output from this modeling did not meet the statistical confidence thresholds required to predict the impact of this variant on RAD50 protein function. In summary, the available evidence is currently insufficient to determine the role of this variant in disease. Therefore, it has been classified as a Variant of Uncertain Significance.

Quest Diagnostics Nichols Institute San Juan Capistrano
Classification: Uncertain significance. Last evaluated: 2024-12-14. Review status: criteria provided, single submitter. Criteria: Quest Diagnostics criteria. Collection method: clinical testing. Allele origin: unknown.
Comment: The RAD50 c.217G>A (p.Ala73Thr) variant has not been reported in individuals with RAD50-related conditions in the published literature. The frequency of this variant in the general population (Genome Aggregation Database) is uninformative in the assessment of its pathogenicity. Analysis of this variant using bioinformatics tools for the prediction of the effect of amino acid changes on protein structure and function yielded conflicting predictions that this variant is benign or damaging. Based on the available information, we are unable to determine the clinical significance of this variant.

Ambry Genetics
Classification: Uncertain significance for Hereditary cancer-predisposing syndrome. Last evaluated: 2024-08-21. Review status: criteria provided, single submitter. Criteria: Ambry Variant Classification Scheme 2023. Collection method: clinical testing. Allele origin: germline.
Comment: The p.A73T variant (also known as c.217G>A), located in coding exon 3 of the RAD50 gene, results from a G to A substitution at nucleotide position 217. The alanine at codon 73 is replaced by threonine, an amino acid with similar properties. This amino acid position is highly conserved in available vertebrate species. In addition, this alteration is predicted to be tolerated by in silico analysis. Since supporting evidence is limited at this time, the clinical significance of this alteration remains unclear.

Fulgent Genetics
Classification: Uncertain significance for Nijmegen breakage syndrome-like disorder. Last evaluated: 2018-10-31. Review status: criteria provided, single submitter. Criteria: ACMG Guidelines, 2015. Collection method: clinical testing. Allele origin: unknown.

NM_005732.4(RAD50):c.217G>A (p.Ala73Thr)

Gene: RAD50 (RAD50 double strand break repair protein; plus strand). Cytogenetic location: 5q31.1.
Variant type: single nucleotide variant.
Coding change: c.217G>A on transcript NM_005732.4 (MANE Select); coding-DNA position 217, G replaced by A.
Protein change: p.Ala73Thr; replaces alanine 73 with threonine.
Molecular consequence: missense variant.
Genome position (GRCh38, 1-based): chr5:132,575,780, G>A. VCF-style: chr5-132575780-G-A. GRCh37 (hg19) VCF-style: chr5-131911472-G-A.
Other names: short protein forms A73T.
Identifiers: ClinVar variation 230217 (VCV000230217.17), dbSNP rs371122101, ClinGen allele CA3404941.